The following is an entry in ClinVar:

NM_020693.4(DSCAML1):c.4649G>A (p.Arg1550His)

Gene: DSCAML1 (DS cell adhesion molecule like 1; minus strand). Cytogenetic location: 11q23.3.
Variant type: single nucleotide variant.
Coding change: c.4649G>A on transcript NM_020693.4 (MANE Select); coding-DNA position 4649, G replaced by A.
Protein change: p.Arg1550His; replaces arginine 1550 with histidine.
Molecular consequence: missense variant.
Genome position (GRCh38, 1-based): chr11:117,437,193, C>T on the plus strand (G>A on the coding strand, the complement: DSCAML1 is on the minus strand). VCF-style: chr11-117437193-C-T. GRCh37 (hg19) VCF-style: chr11-117307909-C-T.
Other names: short protein forms R1550H.
Identifiers: ClinVar variation 1898151 (VCV001898151.5), dbSNP rs200945385, ClinGen allele CA6296319.

ClinVar aggregate classification (germline): Uncertain significance (1 of 4 stars; one submission).

Allele frequency attached by ClinVar (database versions not stated): gnomAD 0.00009; TOPMed 0.00010; ExAC 0.00013.
gnomAD v4.1: 168 of 1,614,220 alleles (0.01%); highest among the groups gnomAD compares: Middle Eastern, 0.18%; no homozygotes.

Submission:

Labcorp Genetics (formerly Invitae), Labcorp
Classification: Uncertain significance. Last evaluated: 2024-03-04. Review status: criteria provided, single submitter. Criteria: Invitae Variant Classification Sherloc (09022015). Collection method: clinical testing. Allele origin: germline.
Comment: This sequence change replaces arginine, which is basic and polar, with histidine, which is basic and polar, at codon 1610 of the DSCAML1 protein (p.Arg1610His). This variant is present in population databases (rs200945385, gnomAD 0.07%), and has an allele count higher than expected for a pathogenic variant. This variant has not been reported in the literature in individuals affected with DSCAML1-related conditions. ClinVar contains an entry for this variant (Variation ID: 1898151). An algorithm developed to predict the effect of missense changes on protein structure and function (PolyPhen-2) suggests that this variant is likely to be tolerated. In summary, the available evidence is currently insufficient to determine the role of this variant in disease. Therefore, it has been classified as a Variant of Uncertain Significance.